The following is an entry in ClinVar:

15q13.3

Genes: MTMR10 (myotubularin related protein 10; minus strand), CHRNA7 (cholinergic receptor nicotinic alpha 7 subunit), FAN1 (FANCD2 and FANCI associated nuclease 1; plus strand), KLF13 (KLF transcription factor 13; plus strand), MIR211 (microRNA 211; minus strand) and 2 more. Cytogenetic location: 15q13.2-13.3.
Variant type: Deletion.
Other names: 15q13.3 microdeletion.
Identifiers: ClinVar variation 21009 (VCV000021009.3).

ClinVar aggregate classification (germline): Pathogenic (0 of 4 stars; one submission).

Conditions:
Chromosome 15q13.3 microdeletion syndrome. Also called: 15q13.3 Recurrent Deletion; CHROMOSOME 15q13.3 DELETION SYNDROME. Identifiers: Orphanet 199318, MedGen C2677613, MONDO:0012774, OMIM 612001.

Submission:

GeneReviews
Classification: Pathogenic for 15q13.3 Microdeletion. Last evaluated: 2010-12-23. Review status: no assertion criteria provided. Collection method: curation. Allele origin: unknown.
ClinVar note: Converted during submission from pathologic to Pathogenic.